The following is an entry in ClinVar:

ClinVar aggregate classification (germline): Uncertain significance (1 of 4 stars; one submission).

Conditions:
Hereditary pulmonary alveolar proteinosis. Also called: Pulmonary surfactant metabolism dysfunction. Identifiers: Orphanet 264675, MedGen C3711368, MONDO:0012580.

gnomAD v4.1: 9 of 1,614,078 alleles (0.00056%); highest among the groups gnomAD compares: Middle Eastern, 0.033%; no homozygotes.

Submission:

Ambry Genetics
Classification: Uncertain significance for Hereditary pulmonary alveolar proteinosis. Last evaluated: 2024-06-26. Review status: criteria provided, single submitter. Criteria: Ambry Variant Classification Scheme 2023. Collection method: clinical testing. Allele origin: germline.
Comment: The p.H778Q variant (also known as c.2334C>A), located in coding exon 15 of the ABCA3 gene, results from a C to A substitution at nucleotide position 2334. The histidine at codon 778 is replaced by glutamine, an amino acid with highly similar properties. This amino acid position is conserved. In addition, this alteration is predicted to be tolerated by in silico analysis. Since supporting evidence is limited at this time, the clinical significance of this alteration remains unclear.

NM_001089.3(ABCA3):c.2334C>A (p.His778Gln)

Gene: ABCA3 (ATP binding cassette subfamily A member 3; minus strand). Cytogenetic location: 16p13.3.
Variant type: single nucleotide variant.
Coding change: c.2334C>A on transcript NM_001089.3 (MANE Select); coding-DNA position 2334, C replaced by A.
Protein change: p.His778Gln; replaces histidine 778 with glutamine.
Molecular consequence: missense variant.
Genome position (GRCh38, 1-based): chr16:2,295,670, G>T on the plus strand (C>A on the coding strand, the complement: ABCA3 is on the minus strand). VCF-style: chr16-2295670-G-T. GRCh37 (hg19) VCF-style: chr16-2345671-G-T.
Other names: short protein forms H778Q.
Identifiers: ClinVar variation 1789753 (VCV001789753.3), dbSNP rs1263339711, ClinGen allele CA394328780.
Genomic context (GRCh38, chr16:2,295,670, plus strand): 5'-AAGGATGAAAGACAGCTCGGCCCCAGCGCTGCTCTCCAGCGTGGCGTTGGGCACGTGGTG[G>T]TGGACCAGCTGGGAGATGTCTTCCGGGTTGCAGTGCGGCTCCTTCACCAGCGTCATGTGA-3'
Protein context (NP_001080.2, residues 768-788): CNPEDISQLV[His778Gln]HHVPNATLES